The following is an entry in ClinVar:

ClinVar aggregate classification (germline): Pathogenic/Likely pathogenic. Review status: criteria provided, multiple submitters, no conflicts (2 of 4 stars). 5 submissions from 5 submitters: Pathogenic (1); Likely pathogenic (2). 2 of the submissions do not count toward it. Last evaluated 2026-02-14.

Conditions:
Epidermolytic palmoplantar keratoderma, 1 (EPPK1). Also called: TYLOSIS; PALMOPLANTAR KERATODERMA, EPIDERMOLYTIC, WITH KNUCKLE PADS. Identifiers: Orphanet 2199, MedGen CN377798, MONDO:0007758, OMIM 144200.
Palmoplantar keratoderma, epidermolytic. Also called: Localized epidermolytic hyperkeratosis. Identifiers: MedGen C1721006, MONDO:0968949, HP:0007559.

Submissions (5):

GeneDx
Classification: Pathogenic. Last evaluated: 2026-02-14. Review status: criteria provided, single submitter. Criteria: GeneDx Variant Classification Process June 2021. Collection method: clinical testing. Allele origin: germline.
Comment: Located within the Helix initiation motif in the 1A domain that is intolerant to change; In silico analysis supports that this missense variant has a deleterious effect on protein structure/function; Not observed at significant frequency in large population cohorts (gnomAD); This variant is associated with the following publications: (PMID: 7512862)

3billion
Classification: Likely pathogenic for Epidermolytic palmoplantar keratoderma, 1. Last evaluated: 2022-01-03. Review status: criteria provided, single submitter. Criteria: ACMG Guidelines, 2015. Collection method: clinical testing. Allele origin: germline. Affected: yes. Observed: 1 heterozygote.
Comment: Same nucleotide change resulting in same amino acid change has been previously reported to be associated with KRT9 related disorder (ClinVar ID: VCV000003000, PMID:7512862, PS1_P). The variant is located in a well-established functional domain or exonic hotspot, where pathogenic variants have frequently reported (PM1_M). A different missense change at the same codon has been reported as pathogenic/likely pathogenic with strong evidence (ClinVar ID: VCV000003003, PMID:7523529,7511021,12192490,14675368, PM5_M).T In silico tool predictions suggest damaging effect of the variant on gene or gene product (REVEL: 0.646, 3CNET: 0.992, PP3_P). A missense variant is a common mechanism associated with Palmoplantar keratoderma (PP2_P). It is not observed in the gnomAD v2.1.1 dataset (PM2_M). herefore, this variant is classified as likely pathogenic according to the recommendation of ACMG/AMP guideline.

Revvity Omics, Revvity
Classification: Likely pathogenic for Epidermolytic palmoplantar keratoderma, 1. Last evaluated: 2021-05-26. Review status: criteria provided, single submitter. Criteria: ACMG Guidelines, 2015. Collection method: clinical testing. Allele origin: germline.

OMIM
Classification: Pathogenic for PALMOPLANTAR KERATODERMA, EPIDERMOLYTIC, 1. Last evaluated: 2003-07-30. Review status: no assertion criteria provided. Collection method: literature only. Allele origin: germline. Not counted in ClinVar's aggregate classification.

Epithelial Biology;  Institute of Medical Biology, Singapore
No classification provided. Review status: no classification provided. Collection method: not provided. Allele origin: not provided. Not counted in ClinVar's aggregate classification.

Literature cited by the submitters: PubMed 7523529 (cited by 3billion); PubMed 7512862 (cited by 3billion and OMIM); PubMed 12838553 (cited by OMIM).

NM_000226.4(KRT9):c.483T>A (p.Asn161Lys)

Gene: KRT9 (keratin 9; minus strand). Cytogenetic location: 17q21.2.
Variant type: single nucleotide variant.
Coding change: c.483T>A on transcript NM_000226.4 (MANE Select); coding-DNA position 483, T replaced by A.
Protein change: p.Asn161Lys; replaces asparagine 161 with lysine.
Molecular consequence: missense variant.
Genome position (GRCh38, 1-based): chr17:41,571,510, A>T on the plus strand (T>A on the coding strand, the complement: KRT9 is on the minus strand). VCF-style: chr17-41571510-A-T. GRCh37 (hg19) VCF-style: chr17-39727762-A-T.
Other names: short protein forms N161K.
Identifiers: ClinVar variation 3000 (VCV000003000.8), dbSNP rs57536312, ClinGen allele CA115906.